The following is an entry in ClinVar:

ClinVar aggregate classification (germline): Pathogenic (1 of 4 stars; one submission).

Submission:

Labcorp Genetics (formerly Invitae), Labcorp
Classification: Pathogenic. Last evaluated: 2020-10-14. Review status: criteria provided, single submitter. Criteria: Invitae Variant Classification Sherloc (09022015). Collection method: clinical testing. Allele origin: germline.
Comment: For these reasons, this variant has been classified as Pathogenic. Loss-of-function variants in EIF2B5 are known to be pathogenic (PMID: 11704758, 15060152, 21307862). Algorithms developed to predict the effect of sequence changes on RNA splicing suggest that this variant may create or strengthen a splice site, but this prediction has not been confirmed by published transcriptional studies. This variant has not been reported in the literature in individuals with EIF2B5-related conditions. This variant is not present in population databases (ExAC no frequency). This sequence change creates a premature translational stop signal (p.Gly399Valfs*25) in the EIF2B5 gene. It is expected to result in an absent or disrupted protein product.

Literature cited by the submitters: PubMed 11704758; PubMed 15060152; PubMed 21307862.

NM_003907.3(EIF2B5):c.1196del (p.Gly399fs)

Gene: EIF2B5 (eukaryotic translation initiation factor 2B subunit epsilon; plus strand). Cytogenetic location: 3q27.1.
Variant type: Deletion.
Coding change: c.1196del on transcript NM_003907.3 (MANE Select); coding-DNA position 1196, one base deleted (G; older notation c.1196delG).
Protein change: p.Gly399fs; shifts the reading frame from glycine 399.
Molecular consequence: frameshift variant.
Genome position (GRCh38, 1-based): chr3:184,141,964, G deleted; the last of 3 consecutive G bases (chr3:184,141,962-184,141,964); deleting any one gives the same sequence. VCF-style (leftmost placement, unchanged base first): chr3-184141961-AG-A. GRCh37 (hg19) VCF-style: chr3-183859749-AG-A.
Other names: short protein forms G399fs.
Identifiers: ClinVar variation 1070136 (VCV001070136.7), dbSNP rs2109010154, ClinGen allele CA2499216614.